The following is an entry in ClinVar:

ClinVar aggregate classification (germline): Uncertain significance (1 of 4 stars; one submission).

Conditions:
Peroxisome biogenesis disorder 2B (PBD2B). Identifiers: Orphanet 44, MedGen C3550234, MONDO:0008736, OMIM 202370.

Allele frequency attached by ClinVar (database versions not stated): gnomAD exomes below 0.00001.
gnomAD v4.1: 1 of 1,614,082 alleles (0.000062%); highest among the groups gnomAD compares: Non-Finnish European, 0.000085%; no homozygotes.

Submission:

Labcorp Genetics (formerly Invitae), Labcorp
Classification: Uncertain significance for Peroxisome biogenesis disorder 2B. Last evaluated: 2022-01-04. Review status: criteria provided, single submitter. Criteria: Invitae Variant Classification Sherloc (09022015). Collection method: clinical testing. Allele origin: germline.
Comment: This sequence change replaces aspartic acid, which is acidic and polar, with glycine, which is neutral and non-polar, at codon 401 of the PEX5 protein (p.Asp401Gly). In summary, the available evidence is currently insufficient to determine the role of this variant in disease. Therefore, it has been classified as a Variant of Uncertain Significance. Algorithms developed to predict the effect of sequence changes on RNA splicing suggest that this variant may create or strengthen a splice site. Algorithms developed to predict the effect of missense changes on protein structure and function (SIFT, PolyPhen-2, Align-GVGD) all suggest that this variant is likely to be tolerated. This variant has not been reported in the literature in individuals affected with PEX5-related conditions. This variant is not present in population databases (gnomAD no frequency).

NM_001351132.2(PEX5):c.1202A>G (p.Asp401Gly)

Gene: PEX5 (peroxisomal biogenesis factor 5; plus strand). Cytogenetic location: 12p13.31.
Variant type: single nucleotide variant.
Coding change: c.1202A>G on transcript NM_001351132.2 (MANE Select); coding-DNA position 1202, A replaced by G.
Protein change: p.Asp401Gly; replaces aspartic acid 401 with glycine.
Molecular consequence: missense variant.
Genome position (GRCh38, 1-based): chr12:7,208,477, A>G. VCF-style: chr12-7208477-A-G. GRCh37 (hg19) VCF-style: chr12-7361073-A-G.
Other names: c.1178A>G, p.Asp393Gly (NM_000319.5); c.1247A>G, p.Asp416Gly (NM_001131023.2); c.1091A>G, p.Asp364Gly (NM_001131024.2, NM_001351124.3, NM_001351126.2 and 7 more transcripts); c.1202A>G, p.Asp401Gly (NM_001131025.2, NM_001131026.2, NM_001300789.3 and 4 more transcripts); c.1136A>G, p.Asp379Gly (NM_001351135.3, NM_001351138.2); c.1193A>G, p.Asp398Gly (NM_001351136.2); c.1067A>G, p.Asp356Gly (NM_001351139.2, NM_001351140.2, NM_001374649.2); short protein forms D393G, D401G, D356G, D379G, D416G, D364G, D398G.
Identifiers: ClinVar variation 2074060 (VCV002074060.4), dbSNP rs2540269791, ClinGen allele CA383732505.
Genomic context (GRCh38, chr12:7,208,477, plus strand): 5'-TCATTGCAGATATCAAGTCTGCCCATCCCTGATCAAACAGGTGTCTGGAGCTAAAGCCAG[A>G]TAACCAGACAGCACTGATGGCGCTGGCTGTGAGCTTCACCAACGAGTCCCTGCAGCGACA-3'
Protein context (NP_001338061.1, residues 391-411): ALRRCLELKP[Asp401Gly]NQTALMALAV